The following is an entry in ClinVar:

NM_153704.6(TMEM67):c.2661+4T>C

Gene: TMEM67 (transmembrane protein 67; plus strand). Cytogenetic location: 8q22.1.
Variant type: single nucleotide variant.
Coding change: c.2661+4T>C on transcript NM_153704.6 (MANE Select); 4 bases into the intron after coding-DNA position 2661, T replaced by C.
Molecular consequence: intron variant.
Genome position (GRCh38, 1-based): chr8:93,809,165, T>C. VCF-style: chr8-93809165-T-C. GRCh37 (hg19) VCF-style: chr8-94821393-T-C.
Other names: c.2418+4T>C (NM_001142301.1).
Identifiers: ClinVar variation 1047651 (VCV001047651.4), dbSNP rs1298703067, ClinGen allele CA583415286.

ClinVar aggregate classification (germline): Uncertain significance (1 of 4 stars; one submission).

Conditions:
Joubert syndrome. Also called: Familial aplasia of the vermis; CEREBELLOPARENCHYMAL DISORDER IV; JOUBERT-BOLTSHAUSER SYNDROME. Identifiers: Orphanet 475, MedGen C5979921, MONDO:0018772.
Meckel-Gruber syndrome. Also called: Dysencephalia splachnocystica; DYSENCEPHALIA SPLANCHNOCYSTICA; GRUBER SYNDROME. Identifiers: Orphanet 564, MedGen C0265215, MONDO:0018921.

Allele frequency attached by ClinVar (database versions not stated): TOPMed below 0.00001; gnomAD 0.00001.

Submission:

Labcorp Genetics (formerly Invitae), Labcorp
Classification: Uncertain significance for Joubert syndrome; Meckel-Gruber syndrome. Last evaluated: 2020-10-09. Review status: criteria provided, single submitter. Criteria: Invitae Variant Classification Sherloc (09022015). Collection method: clinical testing. Allele origin: germline.
Comment: This sequence change falls in intron 25 of the TMEM67 gene. It does not directly change the encoded amino acid sequence of the TMEM67 protein, but it affects a nucleotide within the consensus splice site of the intron. This variant is not present in population databases (ExAC no frequency). This variant has not been reported in the literature in individuals with TMEM67-related conditions. Nucleotide substitutions within the consensus splice site are a relatively common cause of aberrant splicing (PMID: 17576681, 9536098). Algorithms developed to predict the effect of sequence changes on RNA splicing suggest that this variant is not likely to affect RNA splicing, but this prediction has not been confirmed by published transcriptional studies. In summary, the available evidence is currently insufficient to determine the role of this variant in disease. Therefore, it has been classified as a Variant of Uncertain Significance.

Literature cited by the submitters: PubMed 17576681; PubMed 9536098.